The following is an entry in ClinVar:

ClinVar aggregate classification (germline): Pathogenic (1 of 4 stars; one submission).

Allele frequency attached by ClinVar (database versions not stated): TOPMed below 0.00001.

Submission:

Labcorp Genetics (formerly Invitae), Labcorp
Classification: Pathogenic. Last evaluated: 2025-10-06. Review status: criteria provided, single submitter. Criteria: Invitae Variant Classification Sherloc (09022015). Collection method: clinical testing. Allele origin: germline.
Comment: This sequence change creates a premature translational stop signal (p.Trp228*) in the SLC34A1 gene. It is expected to result in an absent or disrupted protein product. Loss-of-function variants in SLC34A1 are known to be pathogenic (PMID: 26047794). This variant is not present in population databases (gnomAD no frequency). This variant has not been reported in the literature in individuals affected with SLC34A1-related conditions. ClinVar contains an entry for this variant (Variation ID: 2033603). For these reasons, this variant has been classified as Pathogenic.

Literature cited by the submitters: PubMed 26047794.

NM_003052.5(SLC34A1):c.684G>A (p.Trp228Ter)

Gene: SLC34A1 (solute carrier family 34 member 1; plus strand). Cytogenetic location: 5q35.3.
Variant type: single nucleotide variant.
Coding change: c.684G>A on transcript NM_003052.5 (MANE Select); coding-DNA position 684, G replaced by A.
Protein change: p.Trp228Ter; replaces tryptophan 228 with a stop codon.
Molecular consequence: nonsense.
Genome position (GRCh38, 1-based): chr5:177,388,033, G>A. VCF-style: chr5-177388033-G-A. GRCh37 (hg19) VCF-style: chr5-176815034-G-A.
Other names: c.684G>A, p.Trp228Ter (NM_001167579.2); short protein forms W228*.
Identifiers: ClinVar variation 2033603 (VCV002033603.4), dbSNP rs1762659131, ClinGen allele CA362365224.
Genomic context (GRCh38, chr5:177,388,033, plus strand): 5'-CAATGTGGCCTCCCTGCCCAGGGCCTTCGCGGGGGCCACGGTGCATGACTGCTTTAACTG[G>A]CTGTCAGTGCTGGTCCTGCTGCCCCTGGAGGCTGCCACTGGCTACCTGCACCACATCACT-3'